The following is an entry in ClinVar:

NM_001267550.2(TTN):c.27800T>C (p.Val9267Ala)

Gene: TTN (titin; minus strand). Cytogenetic location: 2q31.2.
Variant type: single nucleotide variant.
Coding change: c.27800T>C on transcript NM_001267550.2 (MANE Select); coding-DNA position 27800, T replaced by C.
Protein change: p.Val9267Ala; replaces valine 9267 with alanine.
Molecular consequence: missense variant. On other transcripts: intron variant (3).
Genome position (GRCh38, 1-based): chr2:178,712,030, A>G on the plus strand (T>C on the coding strand, the complement: TTN is on the minus strand). VCF-style: chr2-178712030-A-G. GRCh37 (hg19) VCF-style: chr2-179576757-A-G.
Other names: c.26849T>C, p.Val8950Ala (NM_001256850.1); c.24068T>C, p.Val8023Ala (NM_133378.4); c.13282+26052T>C (NM_003319.4); c.13858+26052T>C (NM_133437.4); c.13657+26052T>C (NM_133432.3); short protein forms V8023A, V8950A, V9267A.
Identifiers: ClinVar variation 3894771 (VCV003894771.3), dbSNP rs755143548.

ClinVar aggregate classification (germline): Conflicting classifications of pathogenicity. Review status: criteria provided, conflicting classifications (1 of 4 stars). 3 submissions from 3 submitters: Uncertain significance (2); Likely benign (1). Last evaluated 2026-08-28.

Conditions:
TTN-related disorder. Also called: TTN-related condition; TTN-related disease; TTN-related disorders.

gnomAD v4.1: 24 of 1,613,728 alleles (0.0015%); highest among the groups gnomAD compares: Non-Finnish European, 0.0019%; no homozygotes.

Submissions (3):

PreventionGenetics, part of Exact Sciences
Classification: Uncertain significance for TTN-related condition. Last evaluated: 2026-08-28. Review status: criteria provided, single submitter. Criteria: ACMG Guidelines, 2015. Collection method: clinical testing. Allele origin: germline.
Comment: The TTN c.27800T>C variant is predicted to result in the amino acid substitution p.Val9267Ala. To our knowledge, this variant has not been reported in the literature. This variant is reported in 0.0018% of alleles in individuals of European (Non-Finnish) descent in gnomAD. At this time, the clinical significance of this variant is uncertain due to the absence of conclusive functional and genetic evidence.

Molecular Diagnostic Laboratory for Inherited Cardiovascular Disease, Montreal Heart Institute
Classification: Likely benign. Last evaluated: 2025-04-09. Review status: criteria provided, single submitter. Criteria: ACMG Guidelines, 2015. Collection method: clinical testing. Allele origin: germline. Affected: no.

Revvity Omics, Revvity
Classification: Uncertain significance. Last evaluated: 2023-10-09. Review status: criteria provided, single submitter. Criteria: ACMG Guidelines, 2015. Collection method: clinical testing. Allele origin: germline.